The following is an entry in ClinVar:

Conditions:
Arteriohepatic dysplasia. Also called: Alagille Syndrome. Identifiers: Orphanet 52, MedGen C0085280, MeSH D016738, MONDO:0007318.

Submission:

Gilbert/Spinner Lab, Children's Hospital of Philadelphia
No classification provided (evidence only). Condition: Alagille syndrome. Review status: no classification provided. Collection method: research. Allele origin: not applicable. Functional consequence: functionally_abnormal.
ClinVar note: "not provided" was previously submitted as the classification for the variant. However, the classification appeared to be based only on an observation of functional data so it was converted to no classification on 2025-07-30.

NM_000214.3(JAG1):c.359T>G (p.Ile120Ser)

Gene: JAG1 (jagged canonical Notch ligand 1; minus strand). Cytogenetic location: 20p12.2.
Variant type: single nucleotide variant.
Coding change: c.359T>G on transcript NM_000214.3 (MANE Select); coding-DNA position 359, T replaced by G.
Protein change: p.Ile120Ser; replaces isoleucine 120 with serine.
Molecular consequence: missense variant.
Genome position (GRCh38, 1-based): chr20:10,672,729, A>C on the plus strand (T>G on the coding strand, the complement: JAG1 is on the minus strand). VCF-style: chr20-10672729-A-C. GRCh37 (hg19) VCF-style: chr20-10653377-A-C.
Other names: short protein forms I120S.
Identifiers: ClinVar variation 3573275 (VCV003573275.2).
Genomic context (GRCh38, chr20:10,672,729, plus strand): 5'-CCGCCCGGCCTCCTTCCCGAGTAGTCACTCACCGGCCAGGCGAAACTGAAAGGCAGCACG[A>C]TGCGGTTGCGGTCGTTGCCGCGGCTGGCCTTGAGGTTGAAGGTGTTGCCCCCGATGACAG-3'
Protein context (NP_000205.1, residues 110-130): KASRGNDRNR[Ile120Ser]VLPFSFAWPR